The following is an entry in ClinVar:

NM_025233.7(COASY):c.547T>C (p.Ser183Pro)

Gene: COASY (Coenzyme A synthase; plus strand). Cytogenetic location: 17q21.2.
Variant type: single nucleotide variant.
Coding change: c.547T>C on transcript NM_025233.7 (MANE Select); coding-DNA position 547, T replaced by C.
Protein change: p.Ser183Pro; replaces serine 183 with proline.
Molecular consequence: missense variant.
Genome position (GRCh38, 1-based): chr17:42,563,169, T>C. VCF-style: chr17-42563169-T-C. GRCh37 (hg19) VCF-style: chr17-40715187-T-C.
Other names: c.547T>C, p.Ser183Pro (NM_001042529.3); c.634T>C, p.Ser212Pro (NM_001042532.4); short protein forms S183P, S212P.
Identifiers: ClinVar variation 1440256 (VCV001440256.8), dbSNP rs2092985654, ClinGen allele CA399618346.

ClinVar aggregate classification (germline): Uncertain significance (1 of 4 stars; one submission).

Conditions:
Neurodegeneration with brain iron accumulation 6 (NBIA6). Also called: COASY protein-associated neurodegeneration. Identifiers: Orphanet 397725, MedGen C4517377, MONDO:0014290, OMIM 615643.

Allele frequency attached by ClinVar (database versions not stated): TOPMed below 0.00001.

Submission:

Labcorp Genetics (formerly Invitae), Labcorp
Classification: Uncertain significance for Neurodegeneration with brain iron accumulation 6. Last evaluated: 2024-02-24. Review status: criteria provided, single submitter. Criteria: Invitae Variant Classification Sherloc (09022015). Collection method: clinical testing. Allele origin: germline.
Comment: This sequence change replaces serine, which is neutral and polar, with proline, which is neutral and non-polar, at codon 183 of the COASY protein (p.Ser183Pro). This variant is not present in population databases (gnomAD no frequency). This variant has not been reported in the literature in individuals affected with COASY-related conditions. ClinVar contains an entry for this variant (Variation ID: 1440256). Advanced modeling of protein sequence and biophysical properties (such as structural, functional, and spatial information, amino acid conservation, physicochemical variation, residue mobility, and thermodynamic stability) performed at Invitae indicates that this missense variant is not expected to disrupt COASY protein function with a negative predictive value of 80%. In summary, the available evidence is currently insufficient to determine the role of this variant in disease. Therefore, it has been classified as a Variant of Uncertain Significance.